The following is an entry in ClinVar:

NM_000090.4(COL3A1):c.820G>C (p.Glu274Gln)

Gene: COL3A1 (collagen type III alpha 1 chain; plus strand). Cytogenetic location: 2q32.2.
Variant type: single nucleotide variant.
Coding change: c.820G>C on transcript NM_000090.4 (MANE Select); coding-DNA position 820, G replaced by C.
Protein change: p.Glu274Gln; replaces glutamic acid 274 with glutamine.
Molecular consequence: missense variant.
Genome position (GRCh38, 1-based): chr2:188,991,025, G>C. VCF-style: chr2-188991025-G-C. GRCh37 (hg19) VCF-style: chr2-189855751-G-C.
Other names: short protein forms E274Q.
Identifiers: ClinVar variation 4758319 (VCV004758319.2).

ClinVar aggregate classification (germline): Uncertain significance. Review status: criteria provided, multiple submitters, no conflicts (2 of 4 stars). 2 submissions from 2 submitters: Uncertain significance (2). Last evaluated 2026-03-13.

Conditions:
Familial thoracic aortic aneurysm and aortic dissection (TAAD). Also called: Thoracic aortic aneurysms and dissections. Identifiers: Orphanet 91387, MedGen C4707243, MONDO:0019625.

Submissions (2):

GeneDx
Classification: Uncertain significance. Last evaluated: 2026-03-13. Review status: criteria provided, single submitter. Criteria: GeneDx Variant Classification Process June 2021. Collection method: clinical testing. Allele origin: germline.
Comment: Not observed at significant frequency in large population cohorts (gnomAD); In silico analysis suggests that this missense variant does not alter protein structure/function; Occurs in the triple helical domain at the X position in the canonical Gly-X-Y repeat; although this variant may have an effect on normal protein folding and function, missense substitution at the X position is not a common mechanism of disease (HGMD); Has not been previously published as pathogenic or benign to our knowledge

Color Diagnostics, LLC DBA Color Health
Classification: Uncertain significance for Familial thoracic aortic aneurysm and aortic dissection. Last evaluated: 2025-06-30. Review status: criteria provided, single submitter. Criteria: ACMG Guidelines, 2015. Collection method: clinical testing. Allele origin: germline.
Comment: This missense variant replaces glutamic acid with glutamine at codon 274 of the COL3A1 protein. Computational prediction suggests that this variant may not impact protein structure and function. To our knowledge, functional studies have not been reported for this variant. This variant has not been reported in individuals affected with COL3A1-related disorders in the literature. This variant has not been identified in the general population by the Genome Aggregation Database (gnomAD). The available evidence is insufficient to determine the role of this variant in disease conclusively. Therefore, this variant is classified as a Variant of Uncertain Significance.